The following is an entry in ClinVar:

ClinVar aggregate classification (germline): Likely benign. Review status: criteria provided, multiple submitters, no conflicts (2 of 4 stars). 2 submissions from 2 submitters: Likely benign (2). Last evaluated 2025-10-18.

Conditions:
MED12-Related Disorders. Also called: MED12-related disorder; MED12-related condition. Identifiers: MedGen CN381102.
FG syndrome (FGS). Identifiers: MedGen C0220769, MONDO:0002010.

Allele frequency attached by ClinVar (database versions not stated): gnomAD exomes below 0.00001 and 0.00001; gnomAD 0.00004; ExAC 0.00006.

Submissions (2):

Labcorp Genetics (formerly Invitae), Labcorp
Classification: Likely benign for FG syndrome. Last evaluated: 2025-10-18. Review status: criteria provided, single submitter. Criteria: Invitae Variant Classification Sherloc (09022015). Collection method: clinical testing. Allele origin: germline.

PreventionGenetics, part of Exact Sciences
Classification: Likely benign for MED12-related condition. Last evaluated: 2024-11-09. Review status: criteria provided, single submitter. Criteria: ACMG Guidelines, 2015. Collection method: clinical testing. Allele origin: germline.
Comment: This variant is classified as likely benign based on ACMG/AMP sequence variant interpretation guidelines (Richards et al. 2015 PMID: 25741868, with internal and published modifications).

NM_005120.3(MED12):c.4416-6C>T

Gene: MED12 (mediator complex subunit 12; plus strand). Cytogenetic location: Xq13.1.
Variant type: single nucleotide variant.
Coding change: c.4416-6C>T on transcript NM_005120.3 (MANE Select); 6 bases into the intron before coding-DNA position 4416, C replaced by T.
Molecular consequence: intron variant.
Genome position (GRCh38, 1-based): chrX:71,132,839, C>T. VCF-style: chrX-71132839-C-T. GRCh37 (hg19) VCF-style: chrX-70352689-C-T.
Other names: c.4416-6C>T (NM_005120.2).
Identifiers: ClinVar variation 1157782 (VCV001157782.10), dbSNP rs775717904, ClinGen allele CA10444651.
Genomic context (GRCh38, chrX:71,132,839, plus strand): 5'-TCTTCTCTTCTCTTCTCTTCTCTTCTCTTCTCTTCTCTTCTCTTCTCTTCTTTCTCTTGT[C>T]TCTAGCATGTCCCTATTGAGCCAGCAGCCCTTCTTATCGCTGGTGCTAACATGTCTGAAA-3'